The following is an entry in ClinVar:

NM_014141.6(CNTNAP2):c.1138G>A (p.Ala380Thr)

Gene: CNTNAP2 (contactin associated protein 2; plus strand). Cytogenetic location: 7q35.
Variant type: single nucleotide variant.
Coding change: c.1138G>A on transcript NM_014141.6 (MANE Select); coding-DNA position 1138, G replaced by A.
Protein change: p.Ala380Thr; replaces alanine 380 with threonine.
Molecular consequence: missense variant.
Genome position (GRCh38, 1-based): chr7:147,132,299, G>A. VCF-style: chr7-147132299-G-A. GRCh37 (hg19) VCF-style: chr7-146829391-G-A.
Other names: short protein forms A380T.
Identifiers: ClinVar variation 945566 (VCV000945566.11), dbSNP rs751589771, ClinGen allele CA4545990.

ClinVar aggregate classification (germline): Uncertain significance. Review status: criteria provided, multiple submitters, no conflicts (2 of 4 stars). 3 submissions from 3 submitters: Uncertain significance (3). Last evaluated 2022-12-19.

Conditions:
Inborn genetic diseases. Identifiers: MedGen C0950123, MeSH D030342.
Cortical dysplasia-focal epilepsy syndrome (PTHSL1). Also called: Pitt-Hopkins-like syndrome 1. Identifiers: Orphanet 163681, Orphanet 221150, MedGen C2750246, MONDO:0012400, OMIM 610042.

Allele frequency attached by ClinVar (database versions not stated): ExAC 0.00001; gnomAD 0.00001; gnomAD exomes 0.00002; TOPMed 0.00003.
gnomAD v4.1: 33 of 1,613,492 alleles (0.002%); highest among the groups gnomAD compares: South Asian, 0.0044%; no homozygotes.

Submissions (3):

Ambry Genetics
Classification: Uncertain significance for Inborn genetic diseases. Last evaluated: 2022-12-19. Review status: criteria provided, single submitter. Criteria: Ambry Variant Classification Scheme 2023. Collection method: clinical testing. Allele origin: germline.

Labcorp Genetics (formerly Invitae), Labcorp
Classification: Uncertain significance for Cortical dysplasia-focal epilepsy syndrome. Last evaluated: 2022-08-09. Review status: criteria provided, single submitter. Criteria: Invitae Variant Classification Sherloc (09022015). Collection method: clinical testing. Allele origin: germline.
Comment: This sequence change replaces alanine, which is neutral and non-polar, with threonine, which is neutral and polar, at codon 380 of the CNTNAP2 protein (p.Ala380Thr). This variant is present in population databases (rs751589771, gnomAD 0.01%). This variant has not been reported in the literature in individuals affected with CNTNAP2-related conditions. ClinVar contains an entry for this variant (Variation ID: 945566). Algorithms developed to predict the effect of missense changes on protein structure and function are either unavailable or do not agree on the potential impact of this missense change (SIFT: "Deleterious"; PolyPhen-2: "Benign"; Align-GVGD: "Class C0"). In summary, the available evidence is currently insufficient to determine the role of this variant in disease. Therefore, it has been classified as a Variant of Uncertain Significance.

GeneDx
Classification: Uncertain significance. Last evaluated: 2021-04-27. Review status: criteria provided, single submitter. Criteria: GeneDx Variant Classification Process June 2021. Collection method: clinical testing. Allele origin: germline. Affected: yes.
Comment: In silico analysis supports that this missense variant does not alter protein structure/function; Has not been previously published as pathogenic or benign to our knowledge